The following is an entry in ClinVar:

ClinVar aggregate classification (germline): Uncertain significance (1 of 4 stars; one submission).

Conditions:
Arrhythmogenic cardiomyopathy with wooly hair and keratoderma. Also called: PALMOPLANTAR KERATODERMA WITH LEFT VENTRICULAR CARDIOMYOPATHY AND WOOLLY HAIR; Carvajal syndrome; Dilated cardiomyopathy with woolly hair and keratoderma; Arrhythmogenic cardiomyopathy with woolly hair and keratoderma. Identifiers: Orphanet 65282, MedGen C1854063, MONDO:0011581, OMIM 605676.
Arrhythmogenic right ventricular dysplasia 8 (ARVD8). Also called: Arrhythmogenic Right Ventricular Dysplasia/Cardiomyopathy 8; ARRHYTHMOGENIC RIGHT VENTRICULAR DYSPLASIA, FAMILIAL, 8; ARRHYTHMOGENIC RIGHT VENTRICULAR CARDIOMYOPATHY 8. Identifiers: MedGen C1843896, MONDO:0011831, OMIM 607450.

Submission:

Labcorp Genetics (formerly Invitae), Labcorp
Classification: Uncertain significance for Arrhythmogenic cardiomyopathy with wooly hair and keratoderma; Arrhythmogenic right ventricular dysplasia 8. Last evaluated: 2021-03-08. Review status: criteria provided, single submitter. Criteria: Invitae Variant Classification Sherloc (09022015). Collection method: clinical testing. Allele origin: germline.
Comment: This sequence change replaces glutamine with histidine at codon 1511 of the DSP protein (p.Gln1511His). The glutamine residue is highly conserved and there is a small physicochemical difference between glutamine and histidine. This variant is not present in population databases (ExAC no frequency). This variant has not been reported in the literature in individuals with DSP-related conditions. Algorithms developed to predict the effect of missense changes on protein structure and function output the following: SIFT: "Deleterious"; PolyPhen-2: "Benign"; Align-GVGD: "Class C0". The histidine amino acid residue is found in multiple mammalian species, suggesting that this missense change does not adversely affect protein function. These predictions have not been confirmed by published functional studies and their clinical significance is uncertain. In summary, the available evidence is currently insufficient to determine the role of this variant in disease. Therefore, it has been classified as a Variant of Uncertain Significance.

NM_004415.4(DSP):c.4533G>C (p.Gln1511His)

Gene: DSP (desmoplakin; plus strand). Cytogenetic location: 6p24.3.
Variant type: single nucleotide variant.
Coding change: c.4533G>C on transcript NM_004415.4 (MANE Select); coding-DNA position 4533, G replaced by C.
Protein change: p.Gln1511His; replaces glutamine 1511 with histidine.
Molecular consequence: missense variant. On other transcripts: intron variant (2).
Genome position (GRCh38, 1-based): chr6:7,580,723, G>C. VCF-style: chr6-7580723-G-C. GRCh37 (hg19) VCF-style: chr6-7580956-G-C.
Other names: c.4050+483G>C (NM_001319034.2); c.3582+951G>C (NM_001008844.3); short protein forms Q1511H.
Identifiers: ClinVar variation 1495966 (VCV001495966.8), dbSNP rs2113694339, ClinGen allele CA362686520.